The following is an entry in ClinVar:

ClinVar aggregate classification (germline): Uncertain significance (1 of 4 stars; one submission).

gnomAD v4.1: 1 of 1,613,652 alleles (0.000062%); highest among the groups gnomAD compares: Non-Finnish European, 0.000085%; no homozygotes.

Submission:

Labcorp Genetics (formerly Invitae), Labcorp
Classification: Uncertain significance. Last evaluated: 2023-12-14. Review status: criteria provided, single submitter. Criteria: Invitae Variant Classification Sherloc (09022015). Collection method: clinical testing. Allele origin: germline.
Comment: This sequence change replaces serine, which is neutral and polar, with arginine, which is basic and polar, at codon 735 of the EMC1 protein (p.Ser735Arg). This variant is not present in population databases (gnomAD no frequency). This variant has not been reported in the literature in individuals affected with EMC1-related conditions. An algorithm developed to predict the effect of missense changes on protein structure and function (PolyPhen-2) suggests that this variant is likely to be disruptive. In summary, the available evidence is currently insufficient to determine the role of this variant in disease. Therefore, it has been classified as a Variant of Uncertain Significance.

NM_015047.3(EMC1):c.2205C>G (p.Ser735Arg)

Genes: EMC1 (ER membrane protein complex subunit 1; minus strand), EMC1-AS1 (EMC1 antisense RNA 1; plus strand). Cytogenetic location: 1p36.13.
Variant type: single nucleotide variant.
Coding change: c.2205C>G on transcript NM_015047.3 (MANE Select); coding-DNA position 2205, C replaced by G.
Protein change: p.Ser735Arg; replaces serine 735 with arginine.
Molecular consequence: missense variant.
Genome position (GRCh38, 1-based): chr1:19,223,567, G>C on the plus strand (C>G on the coding strand, the complement: EMC1 is on the minus strand). VCF-style: chr1-19223567-G-C. GRCh37 (hg19) VCF-style: chr1-19550061-G-C.
Other names: c.2202C>G, p.Ser734Arg (NM_001271427.2, NM_001271428.2); c.2139C>G, p.Ser713Arg (NM_001271429.2); c.2214C>G, p.Ser738Arg (NM_001375820.1); c.2211C>G, p.Ser737Arg (NM_001375821.1); short protein forms S737R, S713R, S735R, S738R, S734R.
Identifiers: ClinVar variation 2881639 (VCV002881639.3), dbSNP rs1378590300, ClinGen allele CA338755257.
Genomic context (GRCh38, chr1:19,223,567, plus strand): 5'-GGTGCGCTCATGGTGCGCGTCTGTGCTCTCTGTCACCACGGCCAGCAGGTTGGGGTTCAG[G>C]CTCTGGAGAGAGAGAGAAAACCTCCCTTAGAACCACGACGACTCATCACACACTCCATTC-3'
Protein context (NP_055862.1, residues 725-745): VMGDRSVLYK[Ser735Arg]LNPNLLAVVT